The following is an entry in ClinVar:

ClinVar aggregate classification (germline): Uncertain significance (1 of 4 stars; one submission).

gnomAD v4.1: 17 of 1,613,770 alleles (0.0011%); highest among the groups gnomAD compares: Admixed American, 0.023%; no homozygotes.

Submission:

Labcorp Genetics (formerly Invitae), Labcorp
Classification: Uncertain significance. Last evaluated: 2024-04-25. Review status: criteria provided, single submitter. Criteria: Invitae Variant Classification Sherloc (09022015). Collection method: clinical testing. Allele origin: germline.
Comment: This sequence change replaces glycine, which is neutral and non-polar, with arginine, which is basic and polar, at codon 723 of the EGF protein (p.Gly723Arg). This variant is present in population databases (rs6413481, gnomAD 0.01%). This variant has not been reported in the literature in individuals affected with EGF-related conditions. An algorithm developed to predict the effect of missense changes on protein structure and function (PolyPhen-2) suggests that this variant is likely to be disruptive. In summary, the available evidence is currently insufficient to determine the role of this variant in disease. Therefore, it has been classified as a Variant of Uncertain Significance.

NM_001963.6(EGF):c.2167G>C (p.Gly723Arg)

Genes: EGF (epidermal growth factor; plus strand), LOC126807134 (BRD4-independent group 4 enhancer GRCh37_chr4:110900995-110902194; plus strand). Cytogenetic location: 4q25.
Variant type: single nucleotide variant.
Coding change: c.2167G>C on transcript NM_001963.6 (MANE Select); coding-DNA position 2167, G replaced by C.
Protein change: p.Gly723Arg; replaces glycine 723 with arginine.
Molecular consequence: missense variant.
Genome position (GRCh38, 1-based): chr4:109,980,085, G>C. VCF-style: chr4-109980085-G-C. GRCh37 (hg19) VCF-style: chr4-110901241-G-C.
Other names: c.2167G>C, p.Gly723Arg (NM_001178130.3); c.2041G>C, p.Gly681Arg (NM_001178131.3, NM_001357021.2); short protein forms G723R, G681R.
Identifiers: ClinVar variation 3712725 (VCV003712725.2).